The following is an entry in ClinVar:

ClinVar aggregate classification (germline): Conflicting classifications of pathogenicity. Review status: criteria provided, conflicting classifications (1 of 4 stars). 2 submissions from 2 submitters: Uncertain significance (1); Likely benign (1). Last evaluated 2025-08-03.

Conditions:
Desmin-related myofibrillar myopathy (MFM1). Also called: Desmin related myopathy (former name); Desmin storage myopathy (former name); Desminopathy; Myofibrillar myopathy 1; MYOFIBRILLAR MYOPATHY WITH ARRHYTHMOGENIC RIGHT VENTRICULAR CARDIOMYOPATHY; DESMIN-RELATED MYOPATHY WITH ARRHYTHMOGENIC RIGHT VENTRICULAR CARDIOMYOPATHY. Identifiers: Orphanet 363543, Orphanet 98909, MedGen C1832370, MONDO:0011076, OMIM 601419.

gnomAD v4.1: 2 of 1,613,716 alleles (0.00012%); highest among the groups gnomAD compares: African/African-American, 0.0013%; no homozygotes.

Submissions (2):

Labcorp Genetics (formerly Invitae), Labcorp
Classification: Uncertain significance for Desmin-related myofibrillar myopathy. Last evaluated: 2025-08-03. Review status: criteria provided, single submitter. Criteria: Invitae Variant Classification Sherloc (09022015). Collection method: clinical testing. Allele origin: germline.
Comment: This sequence change affects codon 415 of the DES mRNA. It is a 'silent' change, meaning that it does not change the encoded amino acid sequence of the DES protein. It affects a nucleotide within the consensus splice site. This variant is present in population databases (rs762158541, gnomAD 0.0009%). This variant has not been reported in the literature in individuals affected with DES-related conditions. ClinVar contains an entry for this variant (Variation ID: 3758290). Algorithms developed to predict the effect of sequence changes on RNA splicing suggest that this variant is not likely to affect RNA splicing. In summary, the available evidence is currently insufficient to determine the role of this variant in disease. Therefore, it has been classified as a Variant of Uncertain Significance.

Blueprint Genetics
Classification: Likely benign. Last evaluated: 2023-03-21. Review status: criteria provided, single submitter. Criteria: ACMG Guidelines, 2015. Collection method: clinical testing. Allele origin: germline.

NM_001927.4(DES):c.1245G>A (p.Arg415=)

Gene: DES (desmin; plus strand). Cytogenetic location: 2q35.
Variant type: single nucleotide variant.
Coding change: c.1245G>A on transcript NM_001927.4 (MANE Select); coding-DNA position 1245, G replaced by A.
Protein change: p.Arg415=; no amino-acid change (arginine 415 retained).
Molecular consequence: synonymous variant.
Genome position (GRCh38, 1-based): chr2:219,423,777, G>A. VCF-style: chr2-219423777-G-A. GRCh37 (hg19) VCF-style: chr2-220288499-G-A.
Other names: c.1242G>A, p.Arg414= (NM_001382708.1); c.813G>A, p.Arg271= (NM_001382709.1); c.1176G>A, p.Arg392= (NM_001382710.1); c.1224G>A, p.Arg408= (NM_001382711.1); c.1245G>A, p.Arg415= (NM_001382712.1); c.975G>A, p.Arg325= (NM_001382713.1).
Identifiers: ClinVar variation 3758290 (VCV003758290.3).
Genomic context (GRCh38, chr2:219,423,777, plus strand): 5'-CTGGGCCCGGCCGATGGGAGGGTTCTTAACTCTTAGGAGGTTTTGTCTCTTCCCTTTTAG[G>A]ATCAATCTCCCCATCCAGACCTACTCTGCCCTCAACTTCCGAGGTGAGTGTCTGCTGGCA-3'
Protein context (NP_001918.3, residues 405-425): YRKLLEGEES[Arg415=]INLPIQTYSA